The following is an entry in ClinVar:

ClinVar aggregate classification (germline): Uncertain significance (1 of 4 stars; one submission).

gnomAD v4.1: 12 of 1,613,980 alleles (0.00074%); highest among the groups gnomAD compares: Admixed American, 0.0033%; no homozygotes.

Submission:

Labcorp Genetics (formerly Invitae), Labcorp
Classification: Uncertain significance. Last evaluated: 2025-06-12. Review status: criteria provided, single submitter. Criteria: Invitae Variant Classification Sherloc (09022015). Collection method: clinical testing. Allele origin: germline.
Comment: This sequence change replaces phenylalanine, which is neutral and non-polar, with leucine, which is neutral and non-polar, at codon 242 of the TBX18 protein (p.Phe242Leu). This variant is present in population databases (rs148004775, gnomAD 0.003%). This variant has not been reported in the literature in individuals affected with TBX18-related conditions. ClinVar contains an entry for this variant (Variation ID: 1988828). Invitae Evidence Modeling of protein sequence and biophysical properties (such as structural, functional, and spatial information, amino acid conservation, physicochemical variation, residue mobility, and thermodynamic stability) indicates that this missense variant is expected to disrupt TBX18 protein function with a positive predictive value of 80%. In summary, the available evidence is currently insufficient to determine the role of this variant in disease. Therefore, it has been classified as a Variant of Uncertain Significance.

NM_001080508.3(TBX18):c.726C>G (p.Phe242Leu)

Gene: TBX18 (T-box transcription factor 18; minus strand). Cytogenetic location: 6q14.3.
Variant type: single nucleotide variant.
Coding change: c.726C>G on transcript NM_001080508.3 (MANE Select); coding-DNA position 726, C replaced by G.
Protein change: p.Phe242Leu; replaces phenylalanine 242 with leucine.
Molecular consequence: missense variant.
Genome position (GRCh38, 1-based): chr6:84,756,743, G>C on the plus strand (C>G on the coding strand, the complement: TBX18 is on the minus strand). VCF-style: chr6-84756743-G-C. GRCh37 (hg19) VCF-style: chr6-85466461-G-C.
Other names: short protein forms F242L.
Identifiers: ClinVar variation 1988828 (VCV001988828.4), dbSNP rs148004775, ClinGen allele CA3911017.
Genomic context (GRCh38, chr6:84,756,743, plus strand): 5'-AGGCCATCTACTCACATGGCCTTGGTCATCCAGTTCATTGTTGGTGAGCTTCAGCTTGTC[G>C]AAGCTGATAACTTGTCTCATCCAAGTCTCCCCCGAGGCAGGCGAGTCTGGATGAATGTAC-3'
Protein context (NP_001073977.1, residues 232-252): GETWMRQVIS[Phe242Leu]DKLKLTNNEL